The following is an entry in ClinVar:

NC_000020.10:g.(?_31996293)_(33761838_?)del

Genes: MIR499A (microRNA 499a; plus strand), MYH7B (myosin heavy chain 7B; plus strand), NCOA6 (nuclear receptor coactivator 6; minus strand), NECAB3 (N-terminal EF-hand calcium binding protein 3; minus strand), TRPC4AP (transient receptor potential cation channel subfamily C member 4 associated protein; minus strand) and 22 more. Cytogenetic location: 20q11.21-11.22.
Variant type: Deletion.
Identifiers: ClinVar variation 583982 (VCV000583982.6).

ClinVar aggregate classification (germline): Uncertain significance (1 of 4 stars; one submission).

Conditions:
Long QT syndrome (LQTS). Identifiers: MedGen C0023976, MeSH D008133, MONDO:0002442. Disease mechanism: loss of function. Inheritance: Various modes of inheritance.

Submission:

Labcorp Genetics (formerly Invitae), Labcorp
Classification: Uncertain significance for Long QT syndrome. Last evaluated: 2022-07-12. Review status: criteria provided, single submitter. Criteria: Invitae Variant Classification Sherloc (09022015). Collection method: clinical testing. Allele origin: germline.
Comment: A gross deletion of the genomic region encompassing the full coding sequence of the SNTA1 gene has been identified. The current clinical and genetic evidence is not sufficient to establish whether loss-of-function variants in SNTA1 cause disease. The boundaries of this event are unknown as they extend beyond the assayed region for this gene and therefore may encompass additional genes. This variant has not been reported in the literature in individuals affected with SNTA1-related conditions. In summary, the available evidence is currently insufficient to determine the role of this variant in disease. Therefore, it has been classified as a Variant of Uncertain Significance.